The following is an entry in ClinVar:

NM_016222.4(DDX41):c.855GGA[1] (p.Glu286del)

Gene: DDX41 (DEAD-box helicase 41; minus strand). Cytogenetic location: 5q35.3.
Variant type: Microsatellite.
Coding change: c.855GGA[1] on transcript NM_016222.4 (MANE Select); one copy of the 3-base unit GGA starting at c.855; the reference has two copies in a row; one copy, 3 bases deleted.
Protein change: p.Glu286del; deletes glutamic acid 286.
Molecular consequence: inframe deletion.
Genome position (GRCh38, 1-based): chr5:177,514,776-177,514,778, TCC deleted on the plus strand (GGA on the coding strand, the reverse complement: DDX41 is on the minus strand); deleting any 3 consecutive bases within chr5:177,514,776-177,514,782 gives the same sequence; the position shown is the placement nearest the transcript's 3' end. VCF-style (leftmost placement, unchanged base first): chr5-177514775-GTCC-G. GRCh37 (hg19) VCF-style: chr5-176941776-GTCC-G.
Other names: c.477GGA[1], p.Glu160del (NM_001321732.2, NM_001321830.2); short protein forms E160del, E286del.
Identifiers: ClinVar variation 4617155 (VCV004617155.1).

ClinVar aggregate classification (germline): Uncertain significance (1 of 4 stars; one submission).

Conditions:
Inborn genetic diseases. Identifiers: MedGen C0950123, MeSH D030342.

Submission:

Ambry Genetics
Classification: Uncertain significance for Inborn genetic diseases. Last evaluated: 2025-10-15. Review status: criteria provided, single submitter. Criteria: Ambry Variant Classification Scheme 2023. Collection method: clinical testing. Allele origin: germline.
Comment: The c.858_860delGGA variant (also known as p.E286del) is located in coding exon 9 of the DDX41 gene. This variant results from an in-frame GGA deletion at nucleotide positions 858 to 860. This results in the in-frame deletion of a glutamic acid at codon 286. This amino acid position is well conserved in available vertebrate species. In addition, this variant is predicted to be deleterious by in silico analysis (Choi Y et al. PLoS ONE. 2012; 7(10):e46688). Based on the available evidence, the clinical significance of this variant remains unclear.